The following is an entry in ClinVar:

ClinVar aggregate classification (germline): Benign/Likely benign. Review status: criteria provided, multiple submitters, no conflicts (2 of 4 stars). 7 submissions from 7 submitters: Benign (2); Likely benign (5). Last evaluated 2026-08-01.

Conditions:
Alport syndrome. Also called: Hemorrhagic familial nephritis; Hemorrhagic hereditary nephritis; Congenital hereditary hematuria. Identifiers: Orphanet 63, MedGen C1567741, MONDO:0018965.
Kidney disorder. Also called: Kidney disease; Kidney Diseases; Nephropathy; renal disease; renal disorder. Identifiers: MedGen C0022658, MONDO:0005240, HP:0000112.

Allele frequency attached by ClinVar (database versions not stated): gnomAD 0.00257 and 0.00241; 1000 Genomes Project 0.00060; 1000 Genomes Project 30x 0.00062; ESP Exome Variant Server 0.00073; TOPMed 0.00076; ExAC 0.00212.
gnomAD v4.1: 2,269 of 1,614,030 alleles (0.14%); highest among the groups gnomAD compares: Non-Finnish European, 0.094%; 7 homozygotes.

Submissions (7):

CeGaT Center for Human Genetics Tuebingen
Classification: Likely benign. Last evaluated: 2026-08-01. Review status: criteria provided, single submitter. Criteria: CeGaT Center For Human Genetics Tuebingen Variant Classification Criteria Version 2. Collection method: clinical testing. Allele origin: germline. Affected: yes. Observed: 4 variant alleles.
Comment: COL4A4: BP4, BP7

Labcorp Genetics (formerly Invitae), Labcorp
Classification: Benign. Last evaluated: 2026-01-21. Review status: criteria provided, single submitter. Criteria: Invitae Variant Classification Sherloc (09022015). Collection method: clinical testing. Allele origin: germline.

Blueprint Genetics
Classification: Likely benign. Last evaluated: 2024-11-21. Review status: criteria provided, single submitter. Criteria: ACMG Guidelines, 2015. Collection method: clinical testing. Allele origin: germline.

GeneDx
Classification: Likely benign. Last evaluated: 2021-08-24. Review status: criteria provided, single submitter. Criteria: GeneDx Variant Classification Process June 2021. Collection method: clinical testing. Allele origin: germline. Affected: yes.
Comment: This variant is associated with the following publications: (PMID: 17216251, 29924831)

Athena Diagnostics
Classification: Benign. Last evaluated: 2018-04-25. Review status: criteria provided, single submitter. Criteria: Athena Diagnostics Criteria. Collection method: clinical testing. Allele origin: germline.

Illumina Laboratory Services, Illumina
Classification: Likely benign for Alport syndrome. Last evaluated: 2017-04-27. Review status: criteria provided, single submitter. Criteria: ICSL Variant Classification Criteria 13 December 2019. Collection method: clinical testing. Allele origin: germline.
Comment: This variant was observed as part of a predisposition screen in an ostensibly healthy population. A literature search was performed for the gene, cDNA change, and amino acid change (where applicable). Publications were found based on this search. The evidence from the literature, in combination with allele frequency data from public databases where available, was sufficient to determine this variant is unlikely to cause disease. Therefore, this variant is classified as likely benign.

Genome Diagnostics Laboratory, The Hospital for Sick Children
Classification: Likely benign for Kidney disorder. Last evaluated: 2016-12-12. Review status: criteria provided, single submitter. Criteria: ACMG Guidelines, 2015. Collection method: clinical testing. Allele origin: germline.

Literature cited by the submitters: PubMed 17216251 (cited by Athena Diagnostics); PubMed 1721625 (cited by Illumina Laboratory Services, Illumina).

NM_000092.5(COL4A4):c.4731G>A (p.Ala1577=)

Gene: COL4A4 (collagen type IV alpha 4 chain; minus strand). Cytogenetic location: 2q36.3.
Variant type: single nucleotide variant.
Coding change: c.4731G>A on transcript NM_000092.5 (MANE Select); coding-DNA position 4731, G replaced by A.
Protein change: p.Ala1577=; no amino-acid change (alanine 1577 retained).
Molecular consequence: synonymous variant.
Genome position (GRCh38, 1-based): chr2:227,008,096, C>T on the plus strand (G>A on the coding strand, the complement: COL4A4 is on the minus strand). VCF-style: chr2-227008096-C-T. GRCh37 (hg19) VCF-style: chr2-227872812-C-T.
Identifiers: ClinVar variation 585534 (VCV000585534.47), dbSNP rs200639109, ClinGen allele CA2144081.
Genomic context (GRCh38, chr2:227,008,096, plus strand): 5'-GATCCAGAGGCTCCTCCAGGTCTGCGGACATGGGGGGATGGACTGGTCCTGGCTGTGCAC[C>T]GCCACCGCCTGGGCCGGGGCCTCGCATACCGCACAGCGGCTGACATAGGGGCGGATCGCC-3'
Protein context (NP_000083.3, residues 1567-1587): AVCEAPAQAV[Ala1577=]VHSQDQSIPP